The following is an entry in ClinVar:

ClinVar aggregate classification (germline): Conflicting classifications of pathogenicity. Review status: criteria provided, conflicting classifications (1 of 4 stars). 2 submissions from 2 submitters: Uncertain significance (1); Likely benign (1). Last evaluated 2025-04-09.

Conditions:
Agammaglobulinemia 6, autosomal recessive (AGM6). Also called: AGAMMAGLOBULINEMIA 6; AGAMMAGLOBULINEMIA, AUTOSOMAL RECESSIVE, DUE TO CD79B DEFECT. Identifiers: MedGen C3150207, MONDO:0012987, OMIM 612692.

Submissions (2):

Labcorp Genetics (formerly Invitae), Labcorp
Classification: Likely benign for Agammaglobulinemia 6, autosomal recessive. Last evaluated: 2025-04-09. Review status: criteria provided, single submitter. Criteria: Invitae Variant Classification Sherloc (09022015). Collection method: clinical testing. Allele origin: germline.

Center for Genomics, Ann and Robert H. Lurie Children's Hospital of Chicago
Classification: Uncertain significance for Agammaglobulinemia 6, autosomal recessive. Last evaluated: 2021-12-22. Review status: criteria provided, single submitter. Criteria: ACMG Guidelines, 2015. Collection method: clinical testing. Allele origin: germline.
Comment: CD79B NM_001039933.2 exon 3 p.Thr139= (c.417A>G): This variant has not been reported in the literature and is not present in large control databases. Evolutionary conservation and computational predictive tools for this variant are limited or unavailable. Of note, this variant is a silent variant and does not change the amino acid, reducing the probability that this variant is disease causing. In summary, data on this variant is insufficient for disease classification. Therefore, the clinical significance of this variant is uncertain.

NM_000626.4(CD79B):c.414A>G (p.Thr138=)

Genes: CD79B (CD79b molecule; minus strand), GH-LCR (growth hormone locus control region; plus strand). Cytogenetic location: 17q23.3.
Variant type: single nucleotide variant.
Coding change: c.414A>G on transcript NM_000626.4 (MANE Select); coding-DNA position 414, A replaced by G.
Protein change: p.Thr138=; no amino-acid change (threonine 138 retained).
Molecular consequence: synonymous variant. On other transcripts: intron variant (2).
Genome position (GRCh38, 1-based): chr17:63,930,090, T>C on the plus strand (A>G on the coding strand, the complement: CD79B is on the minus strand). VCF-style: chr17-63930090-T-C. GRCh37 (hg19) VCF-style: chr17-62007450-T-C.
Other names: c.417A>G, p.Thr139= (NM_001039933.3); c.119-202A>G (NM_021602.4); c.122-202A>G (NM_001329050.2).
Identifiers: ClinVar variation 626079 (VCV000626079.3), dbSNP rs1567810051, ClinGen allele CA501347733.